The following is an entry in ClinVar:

NM_000238.4(KCNH2):c.1645G>A (p.Val549Met)

Gene: KCNH2 (potassium voltage-gated channel subfamily H member 2; minus strand). Cytogenetic location: 7q36.1.
Variant type: single nucleotide variant.
Coding change: c.1645G>A on transcript NM_000238.4 (MANE Select); coding-DNA position 1645, G replaced by A.
Protein change: p.Val549Met; replaces valine 549 with methionine.
Molecular consequence: missense variant.
Genome position (GRCh38, 1-based): chr7:150,951,748, C>T on the plus strand (G>A on the coding strand, the complement: KCNH2 is on the minus strand). VCF-style: chr7-150951748-C-T. GRCh37 (hg19) VCF-style: chr7-150648836-C-T.
Other names: c.625G>A, p.Val209Met (NM_001204798.2, NM_172057.3); c.1357G>A, p.Val453Met (NM_001406753.1, NM_001406756.1); c.1468G>A, p.Val490Met (NM_001406755.1); c.1345G>A, p.Val449Met (NM_001406757.1); c.1645G>A, p.Val549Met (NM_172056.3); short protein forms V209M, V549M, V449M, V453M, V490M.
Identifiers: ClinVar variation 919780 (VCV000919780.11), dbSNP rs1257206721, ClinGen allele CA369858961.

ClinVar aggregate classification (germline): Uncertain significance. Review status: criteria provided, multiple submitters, no conflicts (2 of 4 stars). 4 submissions from 4 submitters: Uncertain significance (4). Last evaluated 2026-01-25.

Conditions:
Cardiovascular phenotype. Identifiers: MedGen CN230736.
Long QT syndrome (LQTS). Identifiers: MedGen C0023976, MeSH D008133, MONDO:0002442. Disease mechanism: loss of function. Inheritance: Various modes of inheritance.
Cardiac arrhythmia. Also called: Arrhythmia; Cardiac rhythm disease. Identifiers: MedGen C0003811, MONDO:0007263, HP:0011675.

Allele frequency attached by ClinVar (database versions not stated): gnomAD exomes below 0.00001.
gnomAD v4.1: 3 of 1,610,384 alleles (0.00019%); highest among the groups gnomAD compares: Admixed American, 0.0017%; no homozygotes.

Submissions (4):

Labcorp Genetics (formerly Invitae), Labcorp
Classification: Uncertain significance for Long QT syndrome. Last evaluated: 2026-01-25. Review status: criteria provided, single submitter. Criteria: Invitae Variant Classification Sherloc (09022015). Collection method: clinical testing. Allele origin: germline.
Comment: This sequence change replaces valine, which is neutral and non-polar, with methionine, which is neutral and non-polar, at codon 549 of the KCNH2 protein (p.Val549Met). This variant is present in population databases (no rsID available, gnomAD 0.003%). This variant has not been reported in the literature in individuals affected with KCNH2-related conditions. ClinVar contains an entry for this variant (Variation ID: 919780). An algorithm developed to predict the effect of missense changes on protein structure and function (PolyPhen-2) suggests that this variant is likely to be disruptive. In summary, the available evidence is currently insufficient to determine the role of this variant in disease. Therefore, it has been classified as a Variant of Uncertain Significance.

Ambry Genetics
Classification: Uncertain significance for Cardiovascular phenotype. Last evaluated: 2025-01-10. Review status: criteria provided, single submitter. Criteria: Ambry Variant Classification Scheme 2023. Collection method: clinical testing. Allele origin: germline.
Comment: The p.V549M variant (also known as c.1645G>A), located in coding exon 7 of the KCNH2 gene, results from a G to A substitution at nucleotide position 1645. The valine at codon 549 is replaced by methionine, an amino acid with highly similar properties. This amino acid position is highly conserved in available vertebrate species. In addition, this alteration is predicted to be deleterious by in silico analysis. Based on the available evidence, the clinical significance of this variant remains unclear.

Color Diagnostics, LLC DBA Color Health
Classification: Uncertain significance for Cardiac arrhythmia. Last evaluated: 2024-03-06. Review status: criteria provided, single submitter. Criteria: ACMG Guidelines, 2015. Collection method: clinical testing. Allele origin: germline.
Comment: This missense variant replaces valine with methionine at codon 549 of the KCNH2 protein. Computational prediction suggests that this variant may have deleterious impact on protein structure and function (internally defined REVEL score threshold >= 0.7, PMID: 27666373). Splice site prediction tools suggest that this variant may not impact RNA splicing. To our knowledge, functional studies have not been performed for this variant. This variant has not been reported in individuals affected with cardiovascular disorders in the literature. This variant has been identified in 1/250610 chromosomes in the general population by the Genome Aggregation Database (gnomAD). The available evidence is insufficient to determine the role of this variant in disease conclusively. Therefore, this variant is classified as a Variant of Uncertain Significance.

All of Us Research Program, National Institutes of Health
Classification: Uncertain significance for Long QT syndrome. Last evaluated: 2023-09-05. Review status: criteria provided, single submitter. Criteria: ACMG Guidelines, 2015. Collection method: clinical testing. Allele origin: germline. Inheritance: Autosomal dominant inheritance. Observed: 1 variant allele, 1 heterozygote.
Comment: This missense variant replaces valine with methionine at codon 549 of the KCNH2 protein. Computational prediction suggests that this variant may have deleterious impact on protein structure and function (internally defined REVEL score threshold >= 0.7, PMID: 27666373). Splice site prediction tools suggest that this variant may not impact RNA splicing. To our knowledge, functional studies have not been performed for this variant. This variant has not been reported in individuals affected with cardiovascular disorders in the literature. This variant has been identified in 1/250610 chromosomes in the general population by the Genome Aggregation Database (gnomAD). The available evidence is insufficient to determine the role of this variant in disease conclusively. Therefore, this variant is classified as a Variant of Uncertain Significance.

This study involves interpretation of variants in research participants for the purpose of population health screening. Participant phenotype was not available at the time of variant classification. Additional details can be found in publication PMID: 35346344, PMCID: PMC8962531